The following is an entry in ClinVar:

ClinVar aggregate classification (germline): Uncertain significance. Review status: criteria provided, multiple submitters, no conflicts (2 of 4 stars). 2 submissions from 2 submitters: Uncertain significance (2). Last evaluated 2022-03-09.

Conditions:
Neuronal ceroid lipofuscinosis. Also called: Neuronal Ceroid Lipofuscinoses. Identifiers: Orphanet 216, Orphanet 79263, MedGen C0027877, MONDO:0016295. Disease mechanism: loss of function.

gnomAD v4.1: 16 of 1,608,194 alleles (0.00099%); highest among the groups gnomAD compares: Non-Finnish European, 0.0013%; no homozygotes.

Submissions (2):

Labcorp Genetics (formerly Invitae), Labcorp
Classification: Uncertain significance for Neuronal ceroid lipofuscinosis. Last evaluated: 2022-03-09. Review status: criteria provided, single submitter. Criteria: Invitae Variant Classification Sherloc (09022015). Collection method: clinical testing. Allele origin: germline.
Comment: This sequence change replaces arginine, which is basic and polar, with tryptophan, which is neutral and slightly polar, at codon 64 of the CLN5 protein (p.Arg64Trp). This variant is not present in population databases (gnomAD no frequency). This variant has not been reported in the literature in individuals affected with CLN5-related conditions. ClinVar contains an entry for this variant (Variation ID: 1314411). Algorithms developed to predict the effect of missense changes on protein structure and function are either unavailable or do not agree on the potential impact of this missense change (SIFT: "Deleterious"; PolyPhen-2: "Benign"; Align-GVGD: "Class C0"). Algorithms developed to predict the effect of sequence changes on RNA splicing suggest that this variant may create or strengthen a splice site. In summary, the available evidence is currently insufficient to determine the role of this variant in disease. Therefore, it has been classified as a Variant of Uncertain Significance.

GeneDx
Classification: Uncertain significance. Last evaluated: 2021-04-15. Review status: criteria provided, single submitter. Criteria: GeneDx Variant Classification Process June 2021. Collection method: clinical testing. Allele origin: germline. Affected: yes.
Comment: Not observed in large population cohorts (Lek et al., 2016); In silico analysis supports that this missense variant does not alter protein structure/function; Has not been previously published as pathogenic or benign to our knowledge

NM_006493.4(CLN5):c.43C>T (p.Arg15Trp)

Genes: CLN5 (CLN5 lysosomal BMP synthase; plus strand), LOC130009913 (ATAC-STARR-seq lymphoblastoid silent region 5414; plus strand). Cytogenetic location: 13q22.3.
Variant type: single nucleotide variant.
Coding change: c.43C>T on transcript NM_006493.4 (MANE Select); coding-DNA position 43, C replaced by T.
Protein change: p.Arg15Trp; replaces arginine 15 with tryptophan.
Molecular consequence: missense variant.
Genome position (GRCh38, 1-based): chr13:76,992,141, C>T. VCF-style: chr13-76992141-C-T. GRCh37 (hg19) VCF-style: chr13-77566276-C-T.
Other names: c.43C>T, p.Arg15Trp (NM_001366624.2); short protein forms R15W.
Identifiers: ClinVar variation 1314411 (VCV001314411.4), dbSNP rs772949539, ClinGen allele CA388306367.